The following is an entry in ClinVar:

NM_003560.4(PLA2G6):c.1592-2A>C

Gene: PLA2G6 (phospholipase A2 group VI; minus strand). Cytogenetic location: 22q13.1.
Variant type: single nucleotide variant.
Coding change: c.1592-2A>C on transcript NM_003560.4 (MANE Select); the canonical splice acceptor site of the intron before coding-DNA position 1592, A replaced by C.
Molecular consequence: splice acceptor variant.
Genome position (GRCh38, 1-based): chr22:38,120,911, T>G on the plus strand (A>C on the coding strand, the complement: PLA2G6 is on the minus strand). VCF-style: chr22-38120911-T-G. GRCh37 (hg19) VCF-style: chr22-38516918-T-G.
Other names: c.914-2A>C (NM_001349868.2); c.1430-2A>C (NM_001349866.2, NM_001199562.3, NM_001349865.2 and 1 more transcripts); c.896-2A>C (NM_001349869.2); c.1058-2A>C (NM_001349867.2); c.1592-2A>C (NM_001349864.2).
Identifiers: ClinVar variation 561085 (VCV000561085.9), dbSNP rs1465629909, ClinGen allele CA411527755.

ClinVar aggregate classification (germline): Pathogenic/Likely pathogenic. Review status: criteria provided, multiple submitters, no conflicts (2 of 4 stars). 5 submissions from 5 submitters: Pathogenic (1); Likely pathogenic (4). Last evaluated 2024-06-07.

Conditions:
Infantile neuroaxonal dystrophy (NBIA2A). Also called: NEURODEGENERATION WITH BRAIN IRON ACCUMULATION 2A; Infantile neuroaxonal dystrophy 1; SEITELBERGER DISEASE. Identifiers: Orphanet 35069, MedGen C0270724, MONDO:0024457, OMIM 256600.
PLA2G6-associated neurodegeneration (PLAN). Also called: phospholipase A2-associated neurodegeneration. Identifiers: Orphanet 329303, MedGen CN204472, MONDO:0017998.
Inborn genetic diseases. Identifiers: MedGen C0950123, MeSH D030342.
Autosomal recessive Parkinson disease 14. Also called: PARKINSON DISEASE 14; DYSTONIA-PARKINSONISM, ADULT-ONSET. Identifiers: Orphanet 199351, MedGen C2751842, MONDO:0013060, OMIM 612953.
Neurodegeneration with brain iron accumulation 2B. Also called: NEUROAXONAL DYSTROPHY, ATYPICAL; NEURODEGENERATION WITH BRAIN IRON ACCUMULATION, PLA2G6-RELATED; aNAD; atypical Neuroaxonal Dystrophy (aNAD). Identifiers: Orphanet 35069, MedGen C1857747, MONDO:0012444, OMIM 610217.

Allele frequency attached by ClinVar (database versions not stated): gnomAD exomes 0.00001 and below 0.00001.
gnomAD v4.1: 14 of 1,613,336 alleles (0.00087%); highest among the groups gnomAD compares: Non-Finnish European, 0.0011%; no homozygotes.

Submissions (5):

Fulgent Genetics
Classification: Likely pathogenic for Infantile neuroaxonal dystrophy; Neurodegeneration with brain iron accumulation 2B; Autosomal recessive Parkinson disease 14. Last evaluated: 2024-06-07. Review status: criteria provided, single submitter. Criteria: ACMG Guidelines, 2015. Collection method: clinical testing. Allele origin: germline.

Ambry Genetics
Classification: Likely pathogenic for Inborn genetic diseases. Last evaluated: 2023-10-17. Review status: criteria provided, single submitter. Criteria: Ambry Variant Classification Scheme 2023. Collection method: clinical testing. Allele origin: germline.
Comment: The c.1592-2A>C intronic variant results from a A to C substitution two nucleotides before coding exon 11 of the PLA2G6 gene. Alterations that disrupt the canonical splice site are expected to cause aberrant splicing, resulting in an abnormal protein or a transcript that is subject to nonsense-mediated mRNA decay. Based on data from gnomAD, the C allele has an overall frequency of <0.001% (1/250744) total alleles studied. The highest observed frequency was 0.001% (1/113478) of European (non-Finnish) alleles. This nucleotide position is highly conserved in available vertebrate species. In silico splice site analysis predicts that this alteration will weaken the native splice acceptor site and will result in the creation or strengthening of a novel splice acceptor site. Based on the available evidence, this alteration is classified as likely pathogenic.

Labcorp Genetics (formerly Invitae), Labcorp
Classification: Likely pathogenic for Infantile neuroaxonal dystrophy. Last evaluated: 2023-09-03. Review status: criteria provided, single submitter. Criteria: Invitae Variant Classification Sherloc (09022015). Collection method: clinical testing. Allele origin: germline.
Comment: Algorithms developed to predict the effect of sequence changes on RNA splicing suggest that this variant may disrupt the consensus splice site. This sequence change affects an acceptor splice site in intron 11 of the PLA2G6 gene. It is expected to disrupt RNA splicing. Variants that disrupt the donor or acceptor splice site typically lead to a loss of protein function (PMID: 16199547), and loss-of-function variants in PLA2G6 are known to be pathogenic (PMID: 16783378, 18570303, 18799783, 22213678). This variant is present in population databases (no rsID available, gnomAD 0.0009%). This variant has not been reported in the literature in individuals affected with PLA2G6-related conditions. ClinVar contains an entry for this variant (Variation ID: 561085). In summary, the currently available evidence indicates that the variant is pathogenic, but additional data are needed to prove that conclusively. Therefore, this variant has been classified as Likely Pathogenic.

Broad Center for Mendelian Genomics, Broad Institute of MIT and Harvard
Classification: Likely pathogenic for PLA2G6-associated neurodegeneration. Last evaluated: 2023-01-24. Review status: criteria provided, single submitter. Criteria: ACMG Guidelines, 2015. Collection method: curation. Allele origin: germline. Inheritance: Autosomal recessive inheritance.
Comment: The c.1592-2A>C variant in PLA2G6 has not been previously reported in the literature in individuals with PLA2G6-associated neurodegeneration but has been identified in 0.0009% (1/113478) of European (non-Finnish) chromosomes by the Genome Aggregation Database (gnomAD; dbSNP ID: rs1465629909). Although this variant has been seen in the general population in a heterozygous state, its frequency is low enough to be consistent with a recessive carrier frequency. This variant has also been reported in ClinVar (Variation ID#: 561085) and has been interpreted as pathogenic by Baylor Genetics. This variant is located in the 5' splice region. Computational tools predict a splicing impact, though this information is not predictive enough to determine pathogenicity. Loss of function of the PLA2G6 gene is an established disease mechanism in autosomal recessive PLA2G6-associated neurodegeneration. In summary, although additional studies are required to fully establish its clinical significance, this variant is likely pathogenic for autosomal recessive PLA2G6-associated neurodegeneration. ACMG/AMP Criteria applied: PVS1, PM2 (Richards 2015).

Baylor Genetics
Classification: Pathogenic for Infantile neuroaxonal dystrophy. Last evaluated: 2017-09-01. Review status: criteria provided, single submitter. Criteria: ACMG Guidelines, 2015. Collection method: clinical testing. Allele origin: maternal. Inheritance: Autosomal recessive inheritance. Affected: yes.

Literature cited by the submitters: PubMed 16199547 (cited by Labcorp Genetics (formerly Invitae), Labcorp); PubMed 16783378 (cited by Labcorp Genetics (formerly Invitae), Labcorp); PubMed 18570303 (cited by Labcorp Genetics (formerly Invitae), Labcorp); PubMed 18799783 (cited by Labcorp Genetics (formerly Invitae), Labcorp); PubMed 22213678 (cited by Labcorp Genetics (formerly Invitae), Labcorp); PubMed 25326635 (cited by Baylor Genetics).